The following is an entry in ClinVar:

NM_001393997.1(CCAR2):c.1609-5A>G

Gene: CCAR2 (cell cycle and apoptosis regulator 2; plus strand). Cytogenetic location: 8p21.3.
Variant type: single nucleotide variant.
Coding change: c.1609-5A>G on transcript NM_001393997.1 (MANE Select); 5 bases into the intron before coding-DNA position 1609, A replaced by G.
Molecular consequence: intron variant.
Genome position (GRCh38, 1-based): chr8:22,616,007, A>G. VCF-style: chr8-22616007-A-G. GRCh37 (hg19) VCF-style: chr8-22473520-A-G.
Other names: c.1609-5A>G (NM_001363069.2, NM_021174.6, NM_001363068.2).
Identifiers: ClinVar variation 3060419 (VCV003060419.2), dbSNP rs7838922, ClinGen allele CA4670840.

ClinVar aggregate classification (germline): Benign (0 of 4 stars; one submission).

Conditions:
CCAR2-related disorder. Also called: CCAR2-related condition.

Allele frequency attached by ClinVar (database versions not stated): gnomAD exomes 0.04576; ExAC 0.07420; gnomAD 0.13061; ESP Exome Variant Server 0.13671; TOPMed 0.13997; 1000 Genomes Project 30x 0.15178; 1000 Genomes Project 0.15236.
gnomAD v4.1: 87,548 of 1,613,698 alleles (5.4%); highest among the groups gnomAD compares: African/African-American, 36%; 6,605 homozygotes.

Submission:

PreventionGenetics, part of Exact Sciences
Classification: Benign for CCAR2-related condition. Last evaluated: 2019-11-25. Review status: no assertion criteria provided. Collection method: clinical testing. Allele origin: germline.
Comment: This variant is classified as benign based on ACMG/AMP sequence variant interpretation guidelines (Richards et al. 2015 PMID: 25741868, with internal and published modifications).